The following is an entry in ClinVar:

ClinVar aggregate classification (germline): Uncertain significance. Review status: criteria provided, multiple submitters, no conflicts (2 of 4 stars). 2 submissions from 2 submitters: Uncertain significance (2). Last evaluated 2024-04-23.

Conditions:
Bardet-Biedl syndrome (BBS). Identifiers: Orphanet 110, MedGen C0752166, MONDO:0015229.
Bardet-Biedl syndrome 11 (BBS11). Identifiers: Orphanet 110, MedGen C1859569, MONDO:0014439, OMIM 615988.
Sarcotubular myopathy (LGMDR8). Also called: Limb-girdle muscular dystrophy, type 2H; Hutterite type of muscular dystrophy; Autosomal recessive limb-girdle muscular dystrophy type 2H; MUSCULAR DYSTROPHY, LIMB-GIRDLE, AUTOSOMAL RECESSIVE 8. Identifiers: Orphanet 1878, MedGen C0270968, MONDO:0009683, OMIM 254110.

Allele frequency attached by ClinVar (database versions not stated): TOPMed below 0.00001.

Submissions (2):

Fulgent Genetics
Classification: Uncertain significance for Sarcotubular myopathy; Bardet-Biedl syndrome 11. Last evaluated: 2024-04-23. Review status: criteria provided, single submitter. Criteria: ACMG Guidelines, 2015. Collection method: clinical testing. Allele origin: germline.

Labcorp Genetics (formerly Invitae), Labcorp
Classification: Uncertain significance for Bardet-Biedl syndrome. Last evaluated: 2024-02-24. Review status: criteria provided, single submitter. Criteria: Invitae Variant Classification Sherloc (09022015). Collection method: clinical testing. Allele origin: germline.
Comment: This sequence change replaces cysteine, which is neutral and slightly polar, with arginine, which is basic and polar, at codon 461 of the TRIM32 protein (p.Cys461Arg). This variant is not present in population databases (gnomAD no frequency). This variant has not been reported in the literature in individuals affected with TRIM32-related conditions. ClinVar contains an entry for this variant (Variation ID: 1925018). An algorithm developed to predict the effect of missense changes on protein structure and function (PolyPhen-2) suggests that this variant is likely to be disruptive. In summary, the available evidence is currently insufficient to determine the role of this variant in disease. Therefore, it has been classified as a Variant of Uncertain Significance.

NM_012210.4(TRIM32):c.1381T>C (p.Cys461Arg)

Genes: ASTN2 (astrotactin 2; minus strand), TRIM32 (tripartite motif containing 32; plus strand). Cytogenetic location: 9q33.1.
Variant type: single nucleotide variant.
Coding change: c.1381T>C on transcript NM_012210.4 (MANE Select); coding-DNA position 1381, T replaced by C.
Protein change: p.Cys461Arg; replaces cysteine 461 with arginine.
Molecular consequence: missense variant. On other transcripts: intron variant (3).
Genome position (GRCh38, 1-based): chr9:116,699,123, T>C. VCF-style: chr9-116699123-T-C. GRCh37 (hg19) VCF-style: chr9-119461402-T-C.
Other names: c.1381T>C, p.Cys461Arg (NM_001099679.2, NM_001379048.1, NM_001379049.1 and 1 more transcripts); c.2653+26648A>G (NM_014010.5); c.2794+26648A>G (NM_001365069.1); c.2806+26648A>G (NM_001365068.1); short protein forms C461R.
Identifiers: ClinVar variation 1925018 (VCV001925018.4), dbSNP rs1353660896, ClinGen allele CA374651564.